The following is an entry in ClinVar:

NM_006946.4(SPTBN2):c.2830C>T (p.Arg944Trp)

Gene: SPTBN2 (spectrin beta, non-erythrocytic 2; minus strand). Cytogenetic location: 11q13.2.
Variant type: single nucleotide variant.
Coding change: c.2830C>T on transcript NM_006946.4 (MANE Select); coding-DNA position 2830, C replaced by T.
Protein change: p.Arg944Trp; replaces arginine 944 with tryptophan.
Molecular consequence: missense variant.
Genome position (GRCh38, 1-based): chr11:66,701,269, G>A on the plus strand (C>T on the coding strand, the complement: SPTBN2 is on the minus strand). VCF-style: chr11-66701269-G-A. GRCh37 (hg19) VCF-style: chr11-66468740-G-A.
Other names: c.2851C>T, p.Arg951Trp (NM_001411025.1); c.2830C>T, p.Arg944Trp (NM_001437541.1); short protein forms R944W, R951W.
Identifiers: ClinVar variation 4682426 (VCV004682426.1).

ClinVar aggregate classification (germline): Benign (1 of 4 stars; one submission).

gnomAD v4.1: 83 of 1,612,232 alleles (0.0051%); highest among the groups gnomAD compares: East Asian, 0.02%; no homozygotes.

Submission:

Athena Diagnostics
Classification: Benign. Last evaluated: 2025-06-20. Review status: criteria provided, single submitter. Criteria: Athena Diagnostics Criteria. Collection method: clinical testing. Allele origin: unknown.
Comment: The frequency of this variant in the general population is higher than would generally be expected for pathogenic variants in this gene.